The following is an entry in ClinVar:

NM_058216.3(RAD51C):c.51C>A (p.Phe17Leu)

Gene: RAD51C (RAD51 paralog C; plus strand). Cytogenetic location: 17q22.
Variant type: single nucleotide variant.
Coding change: c.51C>A on transcript NM_058216.3 (MANE Select); coding-DNA position 51, C replaced by A.
Protein change: p.Phe17Leu; replaces phenylalanine 17 with leucine.
Molecular consequence: missense variant. On other transcripts: non-coding transcript variant (1).
Genome position (GRCh38, 1-based): chr17:58,692,694, C>A. VCF-style: chr17-58692694-C-A. GRCh37 (hg19) VCF-style: chr17-56770055-C-A.
Other names: c.51C>A, p.Phe17Leu (NM_002876.4); short protein forms F17L.
Identifiers: ClinVar variation 1390729 (VCV001390729.6), dbSNP rs1598448876, ClinGen allele CA400336680.
Genomic context (GRCh38, chr17:58,692,694, plus strand): 5'-TGAGCCTGCGATGCGCGGGAAGACGTTCCGCTTTGAAATGCAGCGGGATTTGGTGAGTTT[C>A]CCGCTGTCTCCAGCGGTGCGGGTGAAGCTGGTGTCTGCGGGGTTCCAGACTGCTGAGGAA-3'
Protein context (NP_478123.1, residues 7-27): RFEMQRDLVS[Phe17Leu]PLSPAVRVKL

ClinVar aggregate classification (germline): Uncertain significance (1 of 4 stars; one submission).

Conditions:
Fanconi anemia complementation group O. Also called: RAD51C-Related Fanconi Anemia. Identifiers: Orphanet 84, MedGen C3150653, MONDO:0013248, OMIM 613390.

Submission:

Labcorp Genetics (formerly Invitae), Labcorp
Classification: Uncertain significance for Fanconi anemia complementation group O. Last evaluated: 2021-11-01. Review status: criteria provided, single submitter. Criteria: Invitae Variant Classification Sherloc (09022015). Collection method: clinical testing. Allele origin: germline.
Comment: In summary, the available evidence is currently insufficient to determine the role of this variant in disease. Therefore, it has been classified as a Variant of Uncertain Significance. Algorithms developed to predict the effect of missense changes on protein structure and function output the following: SIFT: "Tolerated"; PolyPhen-2: "Benign"; Align-GVGD: "Class C0". The leucine amino acid residue is found in multiple mammalian species, which suggests that this missense change does not adversely affect protein function. This variant has not been reported in the literature in individuals affected with RAD51C-related conditions. This variant is not present in population databases (gnomAD no frequency). This sequence change replaces phenylalanine, which is neutral and non-polar, with leucine, which is neutral and non-polar, at codon 17 of the RAD51C protein (p.Phe17Leu).